The following is an entry in ClinVar:

NM_001876.4(CPT1A):c.2143-6del

Gene: CPT1A (carnitine palmitoyltransferase 1A; minus strand). Cytogenetic location: 11q13.3.
Variant type: Deletion.
Coding change: c.2143-6del on transcript NM_001876.4 (MANE Select); 6 bases into the intron before coding-DNA position 2143, one base deleted (C; older notation c.2143-6delC).
Molecular consequence: intron variant.
Genome position (GRCh38, 1-based): chr11:68,759,667, G deleted on the plus strand (C on the coding strand, the reverse complement: CPT1A is on the minus strand); the first of 2 consecutive G bases (chr11:68,759,667-68,759,668); deleting either gives the same sequence. VCF-style (leftmost placement, unchanged base first): chr11-68759666-AG-A. GRCh37 (hg19) VCF-style: chr11-68527134-AG-A.
Other names: c.2143-6del (NM_001031847.3, NM_001440360.1, NM_001440358.1 and 1 more transcripts); c.2035-6del (NM_001440363.1); c.1957-6del (NM_001440365.1); c.1990-6del (NM_001440364.1); c.2142+558del (NM_001440362.1).
Identifiers: ClinVar variation 4993228 (VCV004993228.1).

ClinVar aggregate classification (germline): Likely benign (1 of 4 stars; one submission).

Conditions:
CPT1A-related disorder. Also called: CPT1A-related condition.

Submission:

PreventionGenetics, part of Exact Sciences
Classification: Likely benign for CPT1A-related condition. Last evaluated: 2026-07-15. Review status: criteria provided, single submitter. Criteria: ACMG Guidelines, 2015. Collection method: clinical testing. Allele origin: germline.
Comment: This variant is classified as likely benign based on ACMG/AMP sequence variant interpretation guidelines (Richards et al. 2015 PMID: 25741868, with internal and published modifications).